The following is an entry in ClinVar:

ClinVar aggregate classification (germline): Uncertain significance (1 of 4 stars; one submission).

Allele frequency attached by ClinVar (database versions not stated): gnomAD exomes below 0.00001.
gnomAD v4.1: 1 of 1,613,902 alleles (0.000062%); highest among the groups gnomAD compares: Non-Finnish European, 0.000085%; no homozygotes.

Submission:

Labcorp Genetics (formerly Invitae), Labcorp
Classification: Uncertain significance. Last evaluated: 2023-10-23. Review status: criteria provided, single submitter. Criteria: Invitae Variant Classification Sherloc (09022015). Collection method: clinical testing. Allele origin: germline.
Comment: This sequence change replaces proline, which is neutral and non-polar, with alanine, which is neutral and non-polar, at codon 222 of the SMARCD2 protein (p.Pro222Ala). This variant is not present in population databases (gnomAD no frequency). This variant has not been reported in the literature in individuals affected with SMARCD2-related conditions. An algorithm developed to predict the effect of missense changes on protein structure and function (PolyPhen-2) suggests that this variant is likely to be disruptive. In summary, the available evidence is currently insufficient to determine the role of this variant in disease. Therefore, it has been classified as a Variant of Uncertain Significance.

NM_001098426.2(SMARCD2):c.664C>G (p.Pro222Ala)

Gene: SMARCD2 (SWI/SNF related BAF chromatin remodeling complex subunit D2; minus strand). Cytogenetic location: 17q23.3.
Variant type: single nucleotide variant.
Coding change: c.664C>G on transcript NM_001098426.2 (MANE Select); coding-DNA position 664, C replaced by G.
Protein change: p.Pro222Ala; replaces proline 222 with alanine.
Molecular consequence: missense variant.
Genome position (GRCh38, 1-based): chr17:63,835,471, G>C on the plus strand (C>G on the coding strand, the complement: SMARCD2 is on the minus strand). VCF-style: chr17-63835471-G-C. GRCh37 (hg19) VCF-style: chr17-61912831-G-C.
Other names: c.439C>G, p.Pro147Ala (NM_001330439.1); c.520C>G, p.Pro174Ala (NM_001330440.2); short protein forms P174A, P147A, P222A.
Identifiers: ClinVar variation 2955393 (VCV002955393.3), dbSNP rs2511442174, ClinGen allele CA400600844.